The following is an entry in ClinVar:

NM_001003800.2(BICD2):c.-2C>T

Gene: BICD2 (BICD cargo adaptor 2; minus strand). Cytogenetic location: 9q22.31.
Variant type: single nucleotide variant.
Coding change: c.-2C>T on transcript NM_001003800.2 (MANE Select); 2 bases upstream of the start codon, C replaced by T.
Molecular consequence: 5 prime UTR variant.
Genome position (GRCh38, 1-based): chr9:92,764,746, G>A on the plus strand (C>T on the coding strand, the complement: BICD2 is on the minus strand). VCF-style: chr9-92764746-G-A. GRCh37 (hg19) VCF-style: chr9-95527028-G-A.
Other names: c.-2C>T (NM_015250.4).
Identifiers: ClinVar variation 3063705 (VCV003063705.1), dbSNP rs2537622519, ClinGen allele CA2690687388.

ClinVar aggregate classification (germline): Uncertain significance (1 of 4 stars; one submission).

gnomAD v4.1: 1 of 1,561,918 alleles (0.000064%); highest among the groups gnomAD compares: South Asian, 0.0012%; no homozygotes.

Submission:

Women's Health and Genetics/Laboratory Corporation of America, LabCorp
Classification: Uncertain significance. Last evaluated: 2024-01-30. Review status: criteria provided, single submitter. Criteria: LabCorp Variant Classification Summary - May 2015. Collection method: clinical testing. Allele origin: germline.
Comment: Variant summary: BICD2 c.-2C>T is located in the untranslated mRNA region upstream of the initiation codon. The frequency data for this variant in gnomAD is considered unreliable, as metrics indicate poor data quality at this position. To our knowledge, no occurrence of c.-2C>T in individuals affected with Spinal Muscular Atrophy With Lower Extremity Predominance and no experimental evidence demonstrating its impact on protein function have been reported. No submitters have cited clinical-significance assessments for this variant to ClinVar. Based on the evidence outlined above, the variant was classified as uncertain significance.